The following is an entry in ClinVar:

NM_016292.3(TRAP1):c.778G>A (p.Asp260Asn)

Gene: TRAP1 (TNF receptor associated protein 1; minus strand). Cytogenetic location: 16p13.3.
Variant type: single nucleotide variant.
Coding change: c.778G>A on transcript NM_016292.3 (MANE Select); coding-DNA position 778, G replaced by A.
Protein change: p.Asp260Asn; replaces aspartic acid 260 with asparagine.
Molecular consequence: missense variant.
Genome position (GRCh38, 1-based): chr16:3,676,072, C>T on the plus strand (G>A on the coding strand, the complement: TRAP1 is on the minus strand). VCF-style: chr16-3676072-C-T. GRCh37 (hg19) VCF-style: chr16-3726073-C-T.
Other names: c.619G>A, p.Asp207Asn (NM_001272049.2); c.778G>A (NM_016292.2); short protein forms D260N, D207N.
Identifiers: ClinVar variation 2201599 (VCV002201599.5), dbSNP rs776753733, ClinGen allele CA7868502.

ClinVar aggregate classification (germline): Uncertain significance. Review status: criteria provided, multiple submitters, no conflicts (2 of 4 stars). 2 submissions from 2 submitters: Uncertain significance (2). Last evaluated 2025-07-03.

Allele frequency attached by ClinVar (database versions not stated): gnomAD 0.00006; TOPMed 0.00007; ExAC 0.00012.
gnomAD v4.1: 104 of 1,613,782 alleles (0.0064%); highest among the groups gnomAD compares: Admixed American, 0.032%; no homozygotes.

Submissions (2):

Labcorp Genetics (formerly Invitae), Labcorp
Classification: Uncertain significance. Last evaluated: 2025-07-03. Review status: criteria provided, single submitter. Criteria: Invitae Variant Classification Sherloc (09022015). Collection method: clinical testing. Allele origin: germline.
Comment: This sequence change replaces aspartic acid, which is acidic and polar, with asparagine, which is neutral and polar, at codon 260 of the TRAP1 protein (p.Asp260Asn). This variant is present in population databases (rs776753733, gnomAD 0.2%), and has an allele count higher than expected for a pathogenic variant. This missense change has been observed in individual(s) with TRAP1-related conditions (PMID: 33057194, 35982159). ClinVar contains an entry for this variant (Variation ID: 2201599). Invitae Evidence Modeling of protein sequence and biophysical properties (such as structural, functional, and spatial information, amino acid conservation, physicochemical variation, residue mobility, and thermodynamic stability) indicates that this missense variant is not expected to disrupt TRAP1 protein function with a negative predictive value of 80%. In summary, the available evidence is currently insufficient to determine the role of this variant in disease. Therefore, it has been classified as a Variant of Uncertain Significance.

Ambry Genetics
Classification: Uncertain significance. Last evaluated: 2021-07-14. Review status: criteria provided, single submitter. Criteria: Ambry Variant Classification Scheme 2023. Collection method: clinical testing. Allele origin: germline.

Literature cited by the submitters: PubMed 33057194 (cited by Labcorp Genetics (formerly Invitae), Labcorp); PubMed 35982159 (cited by Labcorp Genetics (formerly Invitae), Labcorp).